The following is an entry in ClinVar:

ClinVar aggregate classification (germline): Uncertain significance. Review status: criteria provided, multiple submitters, no conflicts (2 of 4 stars). 3 submissions from 3 submitters: Uncertain significance (3). Last evaluated 2025-03-03.

Conditions:
ATM-related disorder. Also called: ATM-related disorders; ATM-related condition.
Hereditary cancer-predisposing syndrome. Also called: Neoplastic Syndromes, Hereditary; Hereditary Cancer Syndrome; Tumor predisposition; Hereditary neoplastic syndrome. Identifiers: Orphanet 140162, MedGen C0027672, MeSH D009386, MONDO:0015356.
Ataxia-telangiectasia syndrome (AT). Also called: Ataxia-telangiectasia, complementation group D; Ataxia-telangiectasia, complementation group E; LOUIS-BAR SYNDROME; Cerebello-oculocutaneous telangiectasia; Immunodeficiency with ataxia telangiectasia; AT, COMPLEMENTATION GROUP C. Identifiers: Orphanet 100, MedGen C0004135, MONDO:0008840, OMIM 208900.

Allele frequency attached by ClinVar (database versions not stated): gnomAD below 0.00001 and 0.00002; gnomAD exomes below 0.00001 and 0.00001; ExAC 0.00001; 1000 Genomes Project 0.00020; 1000 Genomes Project 30x 0.00047.
gnomAD v4.1: 6 of 1,612,894 alleles (0.00037%); highest among the groups gnomAD compares: Middle Eastern, 0.017%; no homozygotes.

Submissions (3):

Ambry Genetics
Classification: Uncertain significance for Hereditary cancer-predisposing syndrome. Last evaluated: 2025-03-03. Review status: criteria provided, single submitter. Criteria: Ambry Variant Classification Scheme 2023. Collection method: clinical testing. Allele origin: germline.
Comment: The p.Y137F variant (also known as c.410A>T), located in coding exon 4 of the ATM gene, results from an A to T substitution at nucleotide position 410. The tyrosine at codon 137 is replaced by phenylalanine, an amino acid with highly similar properties. This amino acid position is well conserved in available vertebrate species. In addition, this alteration is predicted to be tolerated by in silico analysis. Based on the available evidence, the clinical significance of this variant remains unclear.

PreventionGenetics, part of Exact Sciences
Classification: Uncertain significance for ATM-related condition. Last evaluated: 2024-12-05. Review status: criteria provided, single submitter. Criteria: ACMG Guidelines, 2015. Collection method: clinical testing. Allele origin: germline.
Comment: The ATM c.410A>T variant is predicted to result in the amino acid substitution p.Tyr137Phe. To our knowledge, this variant has not been reported in the literature. This variant is reported in 0.0033% of alleles in individuals of South Asian descent in gnomAD. This variant is interpreted as variant of uncertain significance in ClinVar. At this time, the clinical significance of this variant is uncertain due to the absence of conclusive functional and genetic evidence.

Labcorp Genetics (formerly Invitae), Labcorp
Classification: Uncertain significance for Ataxia-telangiectasia syndrome. Last evaluated: 2024-04-29. Review status: criteria provided, single submitter. Criteria: Invitae Variant Classification Sherloc (09022015). Collection method: clinical testing. Allele origin: germline.
Comment: This sequence change replaces tyrosine, which is neutral and polar, with phenylalanine, which is neutral and non-polar, at codon 137 of the ATM protein (p.Tyr137Phe). This variant is present in population databases (rs547082881, gnomAD 0.003%). This variant has not been reported in the literature in individuals affected with ATM-related conditions. ClinVar contains an entry for this variant (Variation ID: 481076). An algorithm developed to predict the effect of missense changes on protein structure and function (PolyPhen-2) suggests that this variant is likely to be tolerated. In summary, the available evidence is currently insufficient to determine the role of this variant in disease. Therefore, it has been classified as a Variant of Uncertain Significance.

NM_000051.4(ATM):c.410A>T (p.Tyr137Phe)

Gene: ATM (ATM serine/threonine kinase; plus strand). Cytogenetic location: 11q22.3.
Variant type: single nucleotide variant.
Coding change: c.410A>T on transcript NM_000051.4 (MANE Select); coding-DNA position 410, A replaced by T.
Protein change: p.Tyr137Phe; replaces tyrosine 137 with phenylalanine.
Molecular consequence: missense variant.
Genome position (GRCh38, 1-based): chr11:108,235,748, A>T. VCF-style: chr11-108235748-A-T. GRCh37 (hg19) VCF-style: chr11-108106475-A-T.
Other names: c.410A>T, p.Tyr137Phe (NM_001351834.2); short protein forms Y137F.
Identifiers: ClinVar variation 481076 (VCV000481076.14), dbSNP rs547082881, ClinGen allele CA6264601.
Genomic context (GRCh38, chr11:108,235,748, plus strand): 5'-GTCAAGAACTCTTAAATTATATCATGGATACAGTGAAAGATTCATCTAATGGTGCTATTT[A>T]CGGAGCTGATTGTAGCAACATACTACTCAAAGACATTCTTTCTGTGAGAAAATACTGGTG-3'
Protein context (NP_000042.3, residues 127-147): TVKDSSNGAI[Tyr137Phe]GADCSNILLK